The following is an entry in ClinVar:

ClinVar aggregate classification (germline): Uncertain significance (1 of 4 stars; one submission).

Allele frequency attached by ClinVar (database versions not stated): ExAC 0.00003; gnomAD 0.00005; TOPMed 0.00007.
gnomAD v4.1: 67 of 1,613,788 alleles (0.0042%); highest among the groups gnomAD compares: Middle Eastern, 0.016%; no homozygotes.

Submission:

Labcorp Genetics (formerly Invitae), Labcorp
Classification: Uncertain significance. Last evaluated: 2024-10-07. Review status: criteria provided, single submitter. Criteria: Invitae Variant Classification Sherloc (09022015). Collection method: clinical testing. Allele origin: germline.
Comment: This sequence change replaces alanine, which is neutral and non-polar, with threonine, which is neutral and polar, at codon 286 of the MMP2 protein (p.Ala286Thr). This variant is present in population databases (rs753867656, gnomAD 0.004%). This variant has not been reported in the literature in individuals affected with MMP2-related conditions. ClinVar contains an entry for this variant (Variation ID: 2137812). Invitae Evidence Modeling of protein sequence and biophysical properties (such as structural, functional, and spatial information, amino acid conservation, physicochemical variation, residue mobility, and thermodynamic stability) indicates that this missense variant is not expected to disrupt MMP2 protein function with a negative predictive value of 80%. In summary, the available evidence is currently insufficient to determine the role of this variant in disease. Therefore, it has been classified as a Variant of Uncertain Significance.

NM_004530.6(MMP2):c.856G>A (p.Ala286Thr)

Gene: MMP2 (matrix metallopeptidase 2; plus strand). Cytogenetic location: 16q12.2.
Variant type: single nucleotide variant.
Coding change: c.856G>A on transcript NM_004530.6 (MANE Select); coding-DNA position 856, G replaced by A.
Protein change: p.Ala286Thr; replaces alanine 286 with threonine.
Molecular consequence: missense variant.
Genome position (GRCh38, 1-based): chr16:55,488,566, G>A. VCF-style: chr16-55488566-G-A. GRCh37 (hg19) VCF-style: chr16-55522478-G-A.
Other names: c.706G>A, p.Ala236Thr (NM_001127891.3); c.628G>A, p.Ala210Thr (NM_001302508.1, NM_001302509.2, NM_001302510.2); short protein forms A210T, A236T, A286T.
Identifiers: ClinVar variation 2137812 (VCV002137812.3), dbSNP rs753867656, ClinGen allele CA8060234.